The following is an entry in ClinVar:

NM_014795.4(ZEB2):c.31del (p.Arg11fs)

Gene: ZEB2 (zinc finger E-box binding homeobox 2; minus strand). Cytogenetic location: 2q22.3.
Variant type: Deletion.
Coding change: c.31del on transcript NM_014795.4 (MANE Select); coding-DNA position 31, one base deleted (C; older notation c.31delC).
Protein change: p.Arg11fs; shifts the reading frame from arginine 11.
Molecular consequence: frameshift variant. On other transcripts: non-coding transcript variant (1).
Genome position (GRCh38, 1-based): chr2:144,517,320, G deleted on the plus strand (C on the coding strand, the reverse complement: ZEB2 is on the minus strand); the first of 5 consecutive G bases (chr2:144,517,320-144,517,324); deleting any one gives the same sequence. VCF-style (leftmost placement, unchanged base first): chr2-144517319-CG-C. GRCh37 (hg19) VCF-style: chr2-145274886-CG-C.
Other names: c.31del, p.Arg11fs (NM_001171653.2); short protein forms R11fs.
Identifiers: ClinVar variation 1071228 (VCV001071228.7), dbSNP rs2149935159, ClinGen allele CA645523947.

ClinVar aggregate classification (germline): Pathogenic (1 of 4 stars; one submission).

Conditions:
Mowat-Wilson syndrome (MOWS). Also called: Classic Mowat-Wilson Syndrome. Identifiers: Orphanet 2152, MedGen C1856113, MONDO:0009341, OMIM 235730.

Submission:

Labcorp Genetics (formerly Invitae), Labcorp
Classification: Pathogenic for Mowat-Wilson syndrome. Last evaluated: 2020-03-26. Review status: criteria provided, single submitter. Criteria: Invitae Variant Classification Sherloc (09022015). Collection method: clinical testing. Allele origin: germline.
Comment: This variant has not been reported in the literature in individuals with ZEB2-related conditions. This sequence change creates a premature translational stop signal (p.Arg11Glyfs*16) in the ZEB2 gene. It is expected to result in an absent or disrupted protein product. This variant is not present in population databases (ExAC no frequency). Loss-of-function variants in ZEB2 are known to be pathogenic (PMID: 16053902). For these reasons, this variant has been classified as Pathogenic.

Literature cited by the submitters: PubMed 16053902.